The following is an entry in ClinVar:

NM_021975.4(RELA):c.957C>T (p.Ser319=)

Gene: RELA (RELA proto-oncogene, NF-kB subunit; minus strand). Cytogenetic location: 11q13.1.
Variant type: single nucleotide variant.
Coding change: c.957C>T on transcript NM_021975.4 (MANE Select); coding-DNA position 957, C replaced by T.
Protein change: p.Ser319=; no amino-acid change (serine 319 retained).
Molecular consequence: synonymous variant.
Genome position (GRCh38, 1-based): chr11:65,655,856, G>A on the plus strand (C>T on the coding strand, the complement: RELA is on the minus strand). VCF-style: chr11-65655856-G-A. GRCh37 (hg19) VCF-style: chr11-65423327-G-A.
Other names: c.948C>T, p.Ser316= (NM_001145138.2); c.957C>T, p.Ser319= (NM_001243984.2, NM_001243985.2).
Identifiers: ClinVar variation 1439898 (VCV001439898.8), dbSNP rs200111108, ClinGen allele CA6106743.

ClinVar aggregate classification (germline): Uncertain significance (1 of 4 stars; one submission).

Allele frequency attached by ClinVar (database versions not stated): TOPMed 0.00005; gnomAD 0.00006 and 0.00007; ExAC 0.00012; gnomAD exomes 0.00012; 1000 Genomes Project 30x 0.00016; 1000 Genomes Project 0.00020.
gnomAD v4.1: 185 of 1,613,884 alleles (0.011%); highest among the groups gnomAD compares: Middle Eastern, 0.082%; 1 homozygote.

Submission:

Labcorp Genetics (formerly Invitae), Labcorp
Classification: Uncertain significance. Last evaluated: 2025-12-21. Review status: criteria provided, single submitter. Criteria: Invitae Variant Classification Sherloc (09022015). Collection method: clinical testing. Allele origin: germline.
Comment: This sequence change affects codon 319 of the RELA mRNA. It is a 'silent' change, meaning that it does not change the encoded amino acid sequence of the RELA protein. It affects a nucleotide within the consensus splice site. This variant is present in population databases (rs200111108, gnomAD 0.03%). This variant has not been reported in the literature in individuals affected with RELA-related conditions. ClinVar contains an entry for this variant (Variation ID: 1439898). Algorithms developed to predict the effect of sequence changes on RNA splicing suggest that this variant is not likely to affect RNA splicing. In summary, the available evidence is currently insufficient to determine the role of this variant in disease. Therefore, it has been classified as a Variant of Uncertain Significance.